The following is an entry in ClinVar:

ClinVar aggregate classification (germline): Pathogenic (1 of 4 stars; one submission).

Submission:

GeneDx
Classification: Pathogenic. Last evaluated: 2024-06-18. Review status: criteria provided, single submitter. Criteria: GeneDx Variant Classification Process June 2021. Collection method: clinical testing. Allele origin: germline. Affected: yes.
Comment: Not observed at significant frequency in large population cohorts (gnomAD); In silico analysis supports that this missense variant has a deleterious effect on protein structure/function; Has not been previously published as pathogenic or benign to our knowledge

NM_001330260.2(SCN8A):c.2570C>A (p.Ser857Tyr)

Gene: SCN8A (sodium voltage-gated channel alpha subunit 8; plus strand). Cytogenetic location: 12q13.13.
Variant type: single nucleotide variant.
Coding change: c.2570C>A on transcript NM_001330260.2 (MANE Select); coding-DNA position 2570, C replaced by A.
Protein change: p.Ser857Tyr; replaces serine 857 with tyrosine.
Molecular consequence: missense variant.
Genome position (GRCh38, 1-based): chr12:51,765,696, C>A. VCF-style: chr12-51765696-C-A. GRCh37 (hg19) VCF-style: chr12-52159480-C-A.
Other names: c.2570C>A, p.Ser857Tyr (NM_001177984.3, NM_001369788.1, NM_014191.4); short protein forms S857Y.
Identifiers: ClinVar variation 3391489 (VCV003391489.1).
Genomic context (GRCh38, chr12:51,765,696, plus strand): 5'-ATTTATTTTTTTGTTTGGGTTTTTTTTTTCCTTAGCTCCGAGTCTTCAAATTGGCCAAAT[C>A]CTGGCCCACCCTGAACATGCTAATCAAGATTATTGGAAATTCAGTGGGTGCCCTGGGCAA-3'
Protein context (NP_001317189.1, residues 847-867): RLLRVFKLAK[Ser857Tyr]WPTLNMLIKI